The following is an entry in ClinVar:

ClinVar aggregate classification (germline): Benign. Review status: criteria provided, multiple submitters, no conflicts (2 of 4 stars). 11 submissions from 9 submitters: Benign (8). 3 of the submissions do not count toward it. Last evaluated 2026-02-03.

Conditions:
Distal spinal muscular atrophy. Also called: Distal hereditary motor neuropathy; Distal hereditary motor neuronopathy. Identifiers: Orphanet 53739, MedGen C0393541, MONDO:0018894.
Charcot-Marie-Tooth disease. Also called: Charcot-Marie-Tooth Neuropathy; Charcot-Marie-Tooth Hereditary Neuropathy. Identifiers: Orphanet 166, MedGen C0007959, MONDO:0015626.
Charcot-Marie-Tooth disease type 2. Also called: Charcot-Marie-Tooth type 2. Identifiers: Orphanet 64746, MedGen C0270914, MONDO:0018993.
Charcot-Marie-Tooth disease type 2D (CMT2D). Also called: CHARCOT-MARIE-TOOTH DISEASE, AXONAL, TYPE 2D; GARS1 Adolescent- or Early Adult-Onset Hereditary Motor/Sensory Neuropathy (GARS1-HMSN); Charcot-Marie-Tooth Neuropathy Type 2D; CHARCOT-MARIE-TOOTH DISEASE, NEURONAL, TYPE 2D. Identifiers: Orphanet 99938, MedGen C1832274, MONDO:0011091, OMIM 601472.
Neuronopathy, distal hereditary motor, type 5A (HMND5). Also called: DHMN VA; Distal Spinal Muscular Atrophy V; Distal Spinal Muscular Atrophy V (dSMA-V); NEURONOPATHY, DISTAL HEREDITARY MOTOR, AUTOSOMAL DOMINANT 5. Identifiers: Orphanet 139536, MedGen CN031873, MONDO:0015353, OMIM 600794.

Allele frequency attached by ClinVar (database versions not stated): ESP Exome Variant Server 0.08549; gnomAD 0.09548; TOPMed 0.10554; gnomAD exomes 0.11127; 1000 Genomes Project 0.14077; 1000 Genomes Project 30x 0.14147; ExAC 0.14493.
gnomAD v4.1: 155,757 of 1,580,278 alleles (9.9%); highest among the groups gnomAD compares: East Asian, 19%; 8,756 homozygotes.

Submissions (11):

Labcorp Genetics (formerly Invitae), Labcorp
Classification: Benign for Charcot-Marie-Tooth disease type 2. Last evaluated: 2026-02-03. Review status: criteria provided, single submitter. Criteria: Invitae Variant Classification Sherloc (09022015). Collection method: clinical testing. Allele origin: germline.

Athena Diagnostics
Classification: Benign. Last evaluated: 2021-04-28. Review status: criteria provided, single submitter. Criteria: Athena Diagnostics Criteria. Collection method: clinical testing. Allele origin: unknown.

Illumina Laboratory Services, Illumina
Classification: Benign for Distal Spinal Muscular Atrophy. Last evaluated: 2018-01-12. Review status: criteria provided, single submitter. Criteria: ICSL Variant Classification Criteria 13 December 2019. Collection method: clinical testing. Allele origin: germline.
Comment: This variant was observed in the ICSL laboratory as part of a predisposition screen in an ostensibly healthy population. It had not been previously curated by ICSL or reported in the Human Gene Mutation Database (HGMD: prior to June 1st, 2018), and was therefore a candidate for classification through an automated scoring system. Utilizing variant allele frequency, disease prevalence and penetrance estimates, and inheritance mode, an automated score was calculated to assess if this variant is too frequent to cause the disease. Based on the score and internal cut-off values, a variant classified as benign is not then subjected to further curation. The score for this variant resulted in a classification of benign for this disease.

Illumina Laboratory Services, Illumina
Classification: Benign for Distal hereditary motor neuronopathy type 5. Last evaluated: 2018-01-12. Review status: criteria provided, single submitter. Criteria: ICSL Variant Classification Criteria 13 December 2019. Collection method: clinical testing. Allele origin: germline.
Comment: the same text as in the submission from Illumina Laboratory Services, Illumina above.

Illumina Laboratory Services, Illumina
Classification: Benign for Charcot-Marie-Tooth disease type 2D. Last evaluated: 2018-01-12. Review status: criteria provided, single submitter. Criteria: ICSL Variant Classification Criteria 13 December 2019. Collection method: clinical testing. Allele origin: germline.
Comment: the same text as in the submission from Illumina Laboratory Services, Illumina above.

GeneDx
Classification: Benign. Last evaluated: 2014-04-09. Review status: criteria provided, single submitter. Criteria: GeneDx Variant Classification (06012015). Collection method: clinical testing. Allele origin: germline. Affected: yes.
Comment: This variant is considered likely benign or benign based on one or more of the following criteria: it is a conservative change, it occurs at a poorly conserved position in the protein, it is predicted to be benign by multiple in silico algorithms, and/or has population frequency not consistent with disease.

Molecular Genetics Laboratory, London Health Sciences Centre
Classification: Benign for Charcot-Marie-Tooth disease. Review status: criteria provided, single submitter. Criteria: ACMG Guidelines, 2015. Collection method: clinical testing. Allele origin: germline. Affected: yes.

PreventionGenetics, part of Exact Sciences
Classification: Benign. Review status: criteria provided, single submitter. Criteria: ACMG Guidelines, 2015. Collection method: clinical testing. Allele origin: germline.

Mayo Clinic Laboratories, Mayo Clinic
Classification: Benign. Last evaluated: 2016-02-15. Review status: no assertion criteria provided. Collection method: clinical testing. Allele origin: unknown. Not counted in ClinVar's aggregate classification.

Clinical Genetics, Academic Medical Center
Classification: Benign. Review status: no assertion criteria provided. Collection method: clinical testing. Allele origin: germline. Affected: yes. Study: VKGL Data-share Consensus. Not counted in ClinVar's aggregate classification.

Joint Genome Diagnostic Labs from Nijmegen and Maastricht, Radboudumc and MUMC+
Classification: Benign. Review status: no assertion criteria provided. Collection method: clinical testing. Allele origin: germline. Affected: yes. Study: VKGL Data-share Consensus. Not counted in ClinVar's aggregate classification.

NM_002047.4(GARS1):c.93G>C (p.Leu31=)

Gene: GARS1 (glycyl-tRNA synthetase 1; plus strand). Cytogenetic location: 7p14.3.
Variant type: single nucleotide variant.
Coding change: c.93G>C on transcript NM_002047.4 (MANE Select); coding-DNA position 93, G replaced by C.
Protein change: p.Leu31=; no amino-acid change (leucine 31 retained).
Molecular consequence: synonymous variant. On other transcripts: 5 prime UTR variant (1).
Genome position (GRCh38, 1-based): chr7:30,595,014, G>C. VCF-style: chr7-30595014-G-C. GRCh37 (hg19) VCF-style: chr7-30634630-G-C.
Other names: p.L31L:CTG>CTC; c.93G>C (LRG_243t1); c.-70G>C (NM_001316772.1).
Identifiers: ClinVar variation 137444 (VCV000137444.25), dbSNP rs2529438, ClinGen allele CA291034.